The following is an entry in ClinVar:

ClinVar aggregate classification (germline): Uncertain significance (1 of 4 stars; one submission).

Conditions:
Inborn genetic diseases. Identifiers: MedGen C0950123, MeSH D030342.

Submission:

Ambry Genetics
Classification: Uncertain significance for Inborn genetic diseases. Last evaluated: 2025-07-23. Review status: criteria provided, single submitter. Criteria: Ambry Variant Classification Scheme 2023. Collection method: clinical testing. Allele origin: germline.
Comment: The c.862_863delGCinsAA (p.A288N) alteration, located in exon 9 (coding exon 7) of the SETD5 gene, results from an in-frame deletion of GC and insertion of AA at nucleotide positions 862 to 863. This results in the substitution of the alanine (A) residue for an asparagine (N) residue at codon 288. This variant was not reported in population-based cohorts in the Genome Aggregation Database (gnomAD). This amino acid position is highly conserved in available vertebrate species. This missense alteration is located in a region that has a low rate of benign missense variation (Lek, 2016; Firth, 2009). Based on insufficient or conflicting evidence, the clinical significance of this alteration remains unclear.

NM_001080517.3(SETD5):c.862_863delinsAA (p.Ala288Asn)

Gene: SETD5 (SET domain containing 5; plus strand). Cytogenetic location: 3p25.3.
Variant type: Indel.
Coding change: c.862_863delinsAA on transcript NM_001080517.3 (MANE Select); coding-DNA positions 862 to 863, GC replaced by AA.
Protein change: p.Ala288Asn; replaces alanine 288 with asparagine.
Molecular consequence: missense variant.
Genome position (GRCh38, 1-based): chr3:9,441,644-9,441,645, GC replaced by AA. VCF-style: chr3-9441644-GC-AA. GRCh37 (hg19) VCF-style: chr3-9483328-GC-AA.
Other names: c.568_569delinsAA, p.Ala190Asn (NM_001292043.2, NM_001349451.2); c.958_959delinsAA, p.Ala320Asn (NM_001437633.1); c.919_920delinsAA, p.Ala307Asn (NM_001437635.1); c.862_863delinsAA, p.Ala288Asn (NM_001437643.1); c.901_902delinsAA, p.Ala301Asn (NM_001437701.1); short protein forms A190N, A301N, A307N, A288N, A320N.
Identifiers: ClinVar variation 4163223 (VCV004163223.1).